The following is an entry in ClinVar:

ClinVar aggregate classification (germline): Benign. Review status: criteria provided, multiple submitters, no conflicts (2 of 4 stars). 9 submissions from 9 submitters: Benign (6). 3 of the submissions do not count toward it. Last evaluated 2026-02-04.

Conditions:
Retinitis pigmentosa (RP). Identifiers: Orphanet 791, MedGen C0035334, MeSH D012174, MONDO:0019200, OMIM 268000. Inheritance: Autosomal dominant, autosomal recessive and X linked inheritance.
Retinitis pigmentosa 26 (RP26). Identifiers: Orphanet 791, MedGen C1842127, MONDO:0012024, OMIM 608380.

Allele frequency attached by ClinVar (database versions not stated): gnomAD exomes 0.11968 and 0.13765; ESP Exome Variant Server 0.12294; ExAC 0.13180; TOPMed 0.13662; gnomAD 0.13863 and 0.13988; 1000 Genomes Project 0.14776; 1000 Genomes Project 30x 0.14834.
gnomAD v4.1: 193,449 of 1,593,064 alleles (12%); highest among the groups gnomAD compares: East Asian, 22%; 13,141 homozygotes.

Submissions (9):

Labcorp Genetics (formerly Invitae), Labcorp
Classification: Benign. Last evaluated: 2026-02-04. Review status: criteria provided, single submitter. Criteria: Invitae Variant Classification Sherloc (09022015). Collection method: clinical testing. Allele origin: germline.

Mendelics
Classification: Benign for Retinitis pigmentosa 26. Last evaluated: 2019-05-28. Review status: criteria provided, single submitter. Criteria: Mendelics Assertion Criteria 2017. Collection method: clinical testing. Allele origin: unknown.

Illumina Laboratory Services, Illumina
Classification: Benign for Retinitis pigmentosa. Last evaluated: 2018-01-13. Review status: criteria provided, single submitter. Criteria: ICSL Variant Classification Criteria 13 December 2019. Collection method: clinical testing. Allele origin: germline.
Comment: This variant was observed in the ICSL laboratory as part of a predisposition screen in an ostensibly healthy population. It had not been previously curated by ICSL or reported in the Human Gene Mutation Database (HGMD: prior to June 1st, 2018), and was therefore a candidate for classification through an automated scoring system. Utilizing variant allele frequency, disease prevalence and penetrance estimates, and inheritance mode, an automated score was calculated to assess if this variant is too frequent to cause the disease. Based on the score and internal cut-off values, a variant classified as benign is not then subjected to further curation. The score for this variant resulted in a classification of benign for this disease.

GeneDx
Classification: Benign. Last evaluated: 2016-12-09. Review status: criteria provided, single submitter. Criteria: GeneDx Variant Classification (06012015). Collection method: clinical testing. Allele origin: germline. Affected: yes.
Comment: This variant is considered likely benign or benign based on one or more of the following criteria: it is a conservative change, it occurs at a poorly conserved position in the protein, it is predicted to be benign by multiple in silico algorithms, and/or has population frequency not consistent with disease.

Breakthrough Genomics
Classification: Benign. Review status: criteria provided, single submitter. Criteria: ACMG Guidelines, 2015. Collection method: not provided. Allele origin: germline. Inheritance: Autosomal recessive inheritance. Affected: yes.

PreventionGenetics, part of Exact Sciences
Classification: Benign. Review status: criteria provided, single submitter. Criteria: ACMG Guidelines, 2015. Collection method: clinical testing. Allele origin: germline.

Natera, Inc.
Classification: Benign for Retinitis pigmentosa type 26. Last evaluated: 2020-09-16. Review status: no assertion criteria provided. Collection method: clinical testing. Allele origin: germline. Not counted in ClinVar's aggregate classification.

Diagnostic Laboratory, Department of Genetics, University Medical Center Groningen
Classification: Benign. Review status: no assertion criteria provided. Collection method: clinical testing. Allele origin: germline. Affected: yes. Study: VKGL Data-share Consensus. Not counted in ClinVar's aggregate classification.

Joint Genome Diagnostic Labs from Nijmegen and Maastricht, Radboudumc and MUMC+
Classification: Benign. Review status: no assertion criteria provided. Collection method: clinical testing. Allele origin: germline. Affected: yes. Study: VKGL Data-share Consensus. Not counted in ClinVar's aggregate classification.

NM_201548.5(CERKL):c.895+3A>G

Gene: CERKL (CERK like autophagy regulator; minus strand). Cytogenetic location: 2q31.3.
Variant type: single nucleotide variant.
Coding change: c.895+3A>G on transcript NM_201548.5 (MANE Select); 3 bases into the intron after coding-DNA position 895, A replaced by G.
Molecular consequence: intron variant.
Genome position (GRCh38, 1-based): chr2:181,549,631, T>C on the plus strand (A>G on the coding strand, the complement: CERKL is on the minus strand). VCF-style: chr2-181549631-T-C. GRCh37 (hg19) VCF-style: chr2-182414358-T-C.
Other names: c.556+3A>G (NM_001030312.3); c.841+3A>G (NM_001160277.2); c.688+3A>G (NM_001030313.3); c.973+3A>G (NM_001030311.3).
Identifiers: ClinVar variation 257151 (VCV000257151.23), dbSNP rs12623687, ClinGen allele CA2010633.